The following is an entry in ClinVar:

NM_001184.4(ATR):c.4196A>C (p.Glu1399Ala)

Gene: ATR (ATR checkpoint kinase; minus strand). Cytogenetic location: 3q23.
Variant type: single nucleotide variant.
Coding change: c.4196A>C on transcript NM_001184.4 (MANE Select); coding-DNA position 4196, A replaced by C.
Protein change: p.Glu1399Ala; replaces glutamic acid 1399 with alanine.
Molecular consequence: missense variant.
Genome position (GRCh38, 1-based): chr3:142,522,798, T>G on the plus strand (A>C on the coding strand, the complement: ATR is on the minus strand). VCF-style: chr3-142522798-T-G. GRCh37 (hg19) VCF-style: chr3-142241640-T-G.
Other names: c.4004A>C, p.Glu1335Ala (NM_001354579.2); short protein forms E1399A, E1335A.
Identifiers: ClinVar variation 2567845 (VCV002567845.2), dbSNP rs2473257798, ClinGen allele CA354801446.

ClinVar aggregate classification (germline): Uncertain significance (1 of 4 stars; one submission).

Conditions:
Inborn genetic diseases. Identifiers: MedGen C0950123, MeSH D030342.

Allele frequency attached by ClinVar (database versions not stated): gnomAD exomes below 0.00001.

Submission:

Ambry Genetics
Classification: Uncertain significance for Inborn genetic diseases. Last evaluated: 2023-06-01. Review status: criteria provided, single submitter. Criteria: Ambry Variant Classification Scheme 2023. Collection method: clinical testing. Allele origin: germline.
Comment: The p.E1399A variant (also known as c.4196A>C), located in coding exon 23 of the ATR gene, results from an A to C substitution at nucleotide position 4196. The glutamic acid at codon 1399 is replaced by alanine, an amino acid with dissimilar properties. This amino acid position is conserved. In addition, the in silico prediction for this alteration is inconclusive. Since supporting evidence is limited at this time, the clinical significance of this alteration remains unclear.